The following is an entry in ClinVar:

NM_018480.7(TMEM126B):c.227C>T (p.Ala76Val)

Gene: TMEM126B (transmembrane protein 126B; plus strand). Cytogenetic location: 11q14.1.
Variant type: single nucleotide variant.
Coding change: c.227C>T on transcript NM_018480.7 (MANE Select); coding-DNA position 227, C replaced by T.
Protein change: p.Ala76Val; replaces alanine 76 with valine.
Molecular consequence: missense variant. On other transcripts: synonymous variant (1), non-coding transcript variant (2).
Genome position (GRCh38, 1-based): chr11:85,634,109, C>T. VCF-style: chr11-85634109-C-T. GRCh37 (hg19) VCF-style: chr11-85345153-C-T.
Other names: p.Ala76Val; c.227C>T (NM_018480.3, NM_018480.5); c.167C>T, p.Ala56Val (NM_001193537.3, NM_001350395.2); c.137C>T, p.Ala46Val (NM_001193538.3, NM_001256546.2, NM_001350396.2); c.89C>T, p.Ala30Val (NM_001256547.2); c.105C>T, p.Gly35= (NM_001350393.1); c.227C>T, p.Ala76Val (NM_001350394.2); short protein forms A30V, A46V, A56V, A76V.
Identifiers: ClinVar variation 3340986 (VCV003340986.5).

ClinVar aggregate classification (germline): Conflicting classifications of pathogenicity. Review status: criteria provided, conflicting classifications (1 of 4 stars). 3 submissions from 3 submitters: Uncertain significance (2); Likely benign (1). Last evaluated 2025-04-16.

Conditions:
Inborn genetic diseases. Identifiers: MedGen C0950123, MeSH D030342.

gnomAD v4.1: 93 of 1,612,670 alleles (0.0058%); highest among the groups gnomAD compares: Admixed American, 0.01%; no homozygotes.

Submissions (3):

GeneDx
Classification: Uncertain significance. Last evaluated: 2025-04-16. Review status: criteria provided, single submitter. Criteria: GeneDx Variant Classification Process June 2021. Collection method: clinical testing. Allele origin: germline.
Comment: Not observed at significant frequency in large population cohorts (gnomAD); In silico analysis indicates that this missense variant does not alter protein structure/function; Has not been previously published as pathogenic or benign to our knowledge

Ambry Genetics
Classification: Likely benign for Inborn genetic diseases. Last evaluated: 2024-08-19. Review status: criteria provided, single submitter. Criteria: Ambry Variant Classification Scheme 2023. Collection method: clinical testing. Allele origin: germline.

Mayo Clinic Laboratories, Mayo Clinic
Classification: Uncertain significance. Last evaluated: 2023-07-21. Review status: criteria provided, single submitter. Criteria: ACMG Guidelines, 2015. Collection method: clinical testing. Allele origin: germline. Observed: 1 variant allele.
Comment: BP4, PM2_moderate